The following is an entry in ClinVar:

NM_014989.7(RIMS1):c.3364C>T (p.Pro1122Ser)

Gene: RIMS1 (regulating synaptic membrane exocytosis 1; plus strand). Cytogenetic location: 6q13.
Variant type: single nucleotide variant.
Coding change: c.3364C>T on transcript NM_014989.7 (MANE Select); coding-DNA position 3364, C replaced by T.
Protein change: p.Pro1122Ser; replaces proline 1122 with serine.
Molecular consequence: missense variant. On other transcripts: intron variant (17).
Genome position (GRCh38, 1-based): chr6:72,266,015, C>T. VCF-style: chr6-72266015-C-T. GRCh37 (hg19) VCF-style: chr6-72975718-C-T.
Other names: c.1591C>T, p.Pro531Ser (NM_001350438.2, NM_001350441.2, NM_001350443.2 and 7 more transcripts); c.1594C>T, p.Pro532Ser (NM_001350439.2, NM_001350442.2, NM_001350446.2 and 8 more transcripts); c.1522C>T, p.Pro508Ser (NM_001350450.2, NM_001350421.2, NM_001350430.2 and 1 more transcripts); c.1351C>T, p.Pro451Ser (NM_001168409.2, NM_001350464.2, NM_001350465.2 and 2 more transcripts); c.1549C>T, p.Pro517Ser (NM_001168410.2, NM_001350473.2); c.1669C>T, p.Pro557Ser (NM_001350418.2, NM_001350434.2); c.1525C>T, p.Pro509Ser (NM_001350424.2, NM_001350428.2, NM_001350459.2 and 1 more transcripts); c.1528C>T, p.Pro510Ser (NM_001350435.2); and 14 more; short protein forms P451S, P510S, P508S, P511S, P557S, P450S, P509S, P516S.
Identifiers: ClinVar variation 2001972 (VCV002001972.4), dbSNP rs1474603635, ClinGen allele CA364686409.

ClinVar aggregate classification (germline): Uncertain significance (1 of 4 stars; one submission).

Allele frequency attached by ClinVar (database versions not stated): gnomAD exomes below 0.00001; TOPMed below 0.00001; gnomAD 0.00001.
gnomAD v4.1: 2 of 1,584,504 alleles (0.00013%); highest among the groups gnomAD compares: Non-Finnish European, 0.00017%; no homozygotes.

Submission:

Labcorp Genetics (formerly Invitae), Labcorp
Classification: Uncertain significance. Last evaluated: 2022-06-02. Review status: criteria provided, single submitter. Criteria: Invitae Variant Classification Sherloc (09022015). Collection method: clinical testing. Allele origin: germline.
Comment: This sequence change replaces proline, which is neutral and non-polar, with serine, which is neutral and polar, at codon 1122 of the RIMS1 protein (p.Pro1122Ser). In summary, the available evidence is currently insufficient to determine the role of this variant in disease. Therefore, it has been classified as a Variant of Uncertain Significance. Algorithms developed to predict the effect of missense changes on protein structure and function are either unavailable or do not agree on the potential impact of this missense change (SIFT: "Deleterious"; PolyPhen-2: "Probably Damaging"; Align-GVGD: "Class C0"). This variant has not been reported in the literature in individuals affected with RIMS1-related conditions. This variant is present in population databases (no rsID available, gnomAD 0.007%).